The following is an entry in ClinVar:

NM_014679.5(CEP57):c.1294A>G (p.Lys432Glu)

Gene: CEP57 (centrosomal protein 57; plus strand). Cytogenetic location: 11q21.
Variant type: single nucleotide variant.
Coding change: c.1294A>G on transcript NM_014679.5 (MANE Select); coding-DNA position 1294, A replaced by G.
Protein change: p.Lys432Glu; replaces lysine 432 with glutamic acid.
Molecular consequence: missense variant.
Genome position (GRCh38, 1-based): chr11:95,831,047, A>G. VCF-style: chr11-95831047-A-G. GRCh37 (hg19) VCF-style: chr11-95564211-A-G.
Other names: c.1267A>G, p.Lys423Glu (NM_001243776.2); c.1216A>G, p.Lys406Glu (NM_001243777.2); c.1213A>G, p.Lys405Glu (NM_001363604.2); short protein forms K405E, K406E, K423E, K432E.
Identifiers: ClinVar variation 847518 (VCV000847518.10), dbSNP rs550796220, ClinGen allele CA6239773.

ClinVar aggregate classification (germline): Uncertain significance. Review status: criteria provided, multiple submitters, no conflicts (2 of 4 stars). 2 submissions from 2 submitters: Uncertain significance (2). Last evaluated 2025-02-02.

Conditions:
Inborn genetic diseases. Identifiers: MedGen C0950123, MeSH D030342.
Mosaic variegated aneuploidy syndrome 2 (MVA2). Identifiers: Orphanet 1052, MedGen C3279843, MONDO:0013582, OMIM 614114.

Allele frequency attached by ClinVar (database versions not stated): gnomAD 0.00001; gnomAD exomes below 0.00001; ExAC 0.00001; 1000 Genomes Project 0.00020.
gnomAD v4.1: 7 of 1,612,166 alleles (0.00043%); highest among the groups gnomAD compares: South Asian, 0.0077%; no homozygotes.

Submissions (2):

Ambry Genetics
Classification: Uncertain significance for Inborn genetic diseases. Last evaluated: 2025-02-02. Review status: criteria provided, single submitter. Criteria: Ambry Variant Classification Scheme 2023. Collection method: clinical testing. Allele origin: germline.
Comment: The p.K432E variant (also known as c.1294A>G), located in coding exon 11 of the CEP57 gene, results from an A to G substitution at nucleotide position 1294. The lysine at codon 432 is replaced by glutamic acid, an amino acid with similar properties. This amino acid position is conserved. In addition, this alteration is predicted to be tolerated by in silico analysis. Based on the available evidence, the clinical significance of this variant remains unclear.

Labcorp Genetics (formerly Invitae), Labcorp
Classification: Uncertain significance for Mosaic variegated aneuploidy syndrome 2. Last evaluated: 2019-04-10. Review status: criteria provided, single submitter. Criteria: Invitae Variant Classification Sherloc (09022015). Collection method: clinical testing. Allele origin: germline.
Comment: Algorithms developed to predict the effect of missense changes on protein structure and function are either unavailable or do not agree on the potential impact of this missense change (SIFT: "Tolerated"; PolyPhen-2: "Possibly Damaging"; Align-GVGD: "Class C0"). In summary, the available evidence is currently insufficient to determine the role of this variant in disease. Therefore, it has been classified as a Variant of Uncertain Significance. This variant is present in population databases (rs550796220, ExAC 0.006%). This variant has not been reported in the literature in individuals with CEP57-related conditions. This sequence change replaces lysine with glutamic acid at codon 432 of the CEP57 protein (p.Lys432Glu). The lysine residue is highly conserved and there is a small physicochemical difference between lysine and glutamic acid.